The following is an entry in ClinVar:

ClinVar aggregate classification (germline): Benign (1 of 4 stars; one submission).

Allele frequency attached by ClinVar (database versions not stated): 1000 Genomes Project 0.00339; 1000 Genomes Project 30x 0.00437; ESP Exome Variant Server 0.00976; ExAC 0.01938.
gnomAD v4.1: 20,734 of 1,579,744 alleles (1.3%); highest among the groups gnomAD compares: Non-Finnish European, 1.6%; 153 homozygotes.

Submission:

CeGaT Center for Human Genetics Tuebingen
Classification: Benign. Last evaluated: 2024-07-01. Review status: criteria provided, single submitter. Criteria: CeGaT Center For Human Genetics Tuebingen Variant Classification Criteria Version 2. Collection method: clinical testing. Allele origin: germline. Affected: yes. Observed: 12 variant alleles.
Comment: AFG2B: BS1, BS2

NM_024063.3(AFG2B):c.821G>T (p.Arg274Leu)

Gene: AFG2B (AAA ATPase AFG2B; plus strand). Cytogenetic location: 15q21.1.
Variant type: single nucleotide variant.
Coding change: c.821G>T on transcript NM_024063.3 (MANE Select); coding-DNA position 821, G replaced by T.
Protein change: p.Arg274Leu; replaces arginine 274 with leucine.
Molecular consequence: missense variant. On other transcripts: non-coding transcript variant (5).
Genome position (GRCh38, 1-based): chr15:45,403,250, G>T. VCF-style: chr15-45403250-G-T. GRCh37 (hg19) VCF-style: chr15-45695448-G-T.
Other names: c.821G>T, p.Arg274Leu (NM_001323640.2); short protein forms R274L.
Identifiers: ClinVar variation 1711381 (VCV001711381.30), dbSNP rs147996419, ClinGen allele CA7543225.